The following is an entry in ClinVar:

ClinVar aggregate classification (germline): Conflicting classifications of pathogenicity. Review status: criteria provided, conflicting classifications (1 of 4 stars). 5 submissions from 5 submitters: Uncertain significance (3); Likely benign (2). Last evaluated 2025-09-29.

Conditions:
Hereditary cancer-predisposing syndrome. Also called: Tumor predisposition; Hereditary Cancer Syndrome; Hereditary neoplastic syndrome; Neoplastic Syndromes, Hereditary. Identifiers: Orphanet 140162, MedGen C0027672, MeSH D009386, MONDO:0015356.
Endometrial carcinoma. Also called: Endometrial carcinoma, somatic. Identifiers: MedGen C0476089, MONDO:0002447, OMIM 608089, HP:0012114.
Hereditary nonpolyposis colorectal neoplasms. Identifiers: MedGen C0009405, MeSH D003123.

Allele frequency attached by ClinVar (database versions not stated): TOPMed below 0.00001; ExAC 0.00001; gnomAD 0.00001; gnomAD exomes 0.00001.
gnomAD v4.1: 4 of 1,612,056 alleles (0.00025%); highest among the groups gnomAD compares: African/African-American, 0.0013%; no homozygotes.

Submissions (5):

Labcorp Genetics (formerly Invitae), Labcorp
Classification: Likely benign for Hereditary nonpolyposis colorectal neoplasms. Last evaluated: 2025-09-29. Review status: criteria provided, single submitter. Criteria: Invitae Variant Classification Sherloc (09022015). Collection method: clinical testing. Allele origin: germline.

Ambry Genetics
Classification: Uncertain significance for Hereditary cancer-predisposing syndrome. Last evaluated: 2025-04-12. Review status: criteria provided, single submitter. Criteria: Ambry Variant Classification Scheme 2023. Collection method: clinical testing. Allele origin: germline.
Comment: The p.K13R variant (also known as c.38A>G), located in coding exon 1 of the MSH6 gene, results from an A to G substitution at nucleotide position 38. The lysine at codon 13 is replaced by arginine, an amino acid with highly similar properties. This amino acid position is highly conserved on limited sequence alignment. In addition, the in silico prediction for this alteration is inconclusive. Since supporting evidence is limited at this time, the clinical significance of this alteration remains unclear.

Baylor Genetics
Classification: Uncertain significance for Endometrial carcinoma. Last evaluated: 2023-07-23. Review status: criteria provided, single submitter. Criteria: ACMG Guidelines, 2015. Collection method: clinical testing. Allele origin: unknown.

PreventionGenetics, part of Exact Sciences
Classification: Uncertain significance. Last evaluated: 2017-12-13. Review status: criteria provided, single submitter. Criteria: ACMG Guidelines, 2015. Collection method: clinical testing. Allele origin: germline.

Color Diagnostics, LLC DBA Color Health
Classification: Likely benign for Hereditary cancer-predisposing syndrome. Last evaluated: 2016-04-22. Review status: criteria provided, single submitter. Criteria: ACMG Guidelines, 2015. Collection method: clinical testing. Allele origin: germline.

NM_000179.3(MSH6):c.38A>G (p.Lys13Arg)

Gene: MSH6 (mutS homolog 6; plus strand). Cytogenetic location: 2p16.3.
Variant type: single nucleotide variant.
Coding change: c.38A>G on transcript NM_000179.3 (MANE Select); coding-DNA position 38, A replaced by G.
Protein change: p.Lys13Arg; replaces lysine 13 with arginine.
Molecular consequence: missense variant. On other transcripts: 5 prime UTR variant (1).
Genome position (GRCh38, 1-based): chr2:47,783,271, A>G. VCF-style: chr2-47783271-A-G. GRCh37 (hg19) VCF-style: chr2-48010410-A-G.
Other names: c.38A>G, p.Lys13Arg (NM_001281492.2); c.-699A>G (NM_001281493.2); short protein forms K13R.
Identifiers: ClinVar variation 410465 (VCV000410465.17), dbSNP rs41294988, ClinGen allele CA072266.
Genomic context (GRCh38, chr2:47,783,271, plus strand): 5'-GTTGGGCCTTGCCGGCTGTCGGTATGTCGCGACAGAGCACCCTGTACAGCTTCTTCCCCA[A>G]GTCTCCGGCGCTGAGTGATGCCAACAAGGCCTCGGCCAGGGCCTCACGCGAAGGCGGCCG-3'
Protein context (NP_000170.1, residues 3-23): RQSTLYSFFP[Lys13Arg]SPALSDANKA